The following is an entry in ClinVar:

NM_002860.4(ALDH18A1):c.1802-21_1802-17del

Gene: ALDH18A1 (aldehyde dehydrogenase 18 family member A1; minus strand). Cytogenetic location: 10q24.1.
Variant type: Deletion.
Coding change: c.1802-21_1802-17del on transcript NM_002860.4 (MANE Select); 21 bases into the intron before coding-DNA position 1802 through 17 bases into the intron before coding-DNA position 1802, 5 bases deleted (TCTTT; older notation c.1802-21_1802-17delTCTTT).
Molecular consequence: intron variant.
Genome position (GRCh38, 1-based): chr10:95,613,880-95,613,884, AAAGA deleted on the plus strand (TCTTT on the coding strand, the reverse complement: ALDH18A1 is on the minus strand); deleting any 5 consecutive bases within chr10:95,613,880-95,613,885 gives the same sequence; the c. name uses the placement nearest the transcript's 3' end. VCF-style (leftmost placement, unchanged base first): chr10-95613879-CAAAGA-C. GRCh37 (hg19) VCF-style: chr10-97373636-CAAAGA-C.
Other names: c.1469-21_1469-17del (NM_001323416.2, NM_001323412.2); c.1796-21_1796-17del (NM_001323415.2, NM_001017423.2); c.1802-21_1802-17del (NM_001323413.2, NM_001323414.2); c.1166-21_1166-17del (NM_001323419.2); c.1697-21_1697-17del (NM_001323417.2); c.1463-21_1463-17del (NM_001323418.2).
Identifiers: ClinVar variation 2944897 (VCV002944897.3), dbSNP rs2526726674, ClinGen allele CA2740093485.
Genomic context (GRCh38, chr10:95,613,879, plus strand): 5'-CCAAAGCATTACAGGCAGCTGGATATTCACATTTAGAGTCTCTGACTGAAAGAAGATGAG[CAAAGA>C]ATTGTTTCCATTGACATGATCCAGAGCTGCAGAGGATGTAATATTTCTCCGTTGTGAAAG-3'

ClinVar aggregate classification (germline): Uncertain significance (1 of 4 stars; one submission).

Conditions:
Cutis laxa, autosomal dominant 3 (ADCL3). Identifiers: Orphanet 90348, MedGen C4225268, MONDO:0014706, OMIM 616603.
Autosomal dominant spastic paraplegia type 9. Identifiers: MedGen C1832669, MONDO:0015091.
de Barsy syndrome. Also called: Cutis laxa-corneal clouding-oligophrenia syndrome. Identifiers: Orphanet 2962, MedGen C0268354, MONDO:0017569.

Submission:

Labcorp Genetics (formerly Invitae), Labcorp
Classification: Uncertain significance for Autosomal dominant spastic paraplegia type 9; de Barsy syndrome; Cutis laxa, autosomal dominant 3. Last evaluated: 2023-04-14. Review status: criteria provided, single submitter. Criteria: Invitae Variant Classification Sherloc (09022015). Collection method: clinical testing. Allele origin: germline.
Comment: Algorithms developed to predict the effect of sequence changes on RNA splicing suggest that this variant may disrupt the consensus splice site. This sequence change falls in intron 14 of the ALDH18A1 gene. It does not directly change the encoded amino acid sequence of the ALDH18A1 protein. This variant is not present in population databases (gnomAD no frequency). This variant has not been reported in the literature in individuals affected with ALDH18A1-related conditions. In summary, the available evidence is currently insufficient to determine the role of this variant in disease. Therefore, it has been classified as a Variant of Uncertain Significance.